The following is an entry in ClinVar:

ClinVar aggregate classification (germline): Pathogenic (1 of 4 stars; one submission).

Submission:

Centre of Medical Genetics, University Hospital Muenster
Classification: Pathogenic. Last evaluated: 2021-12-20. Review status: criteria provided, single submitter. Criteria: ACMG Guidelines, 2015. Collection method: clinical testing. Allele origin: unknown. Affected: yes. Observed: 1 variant allele, 1 heterozygote.
Comment: ACMG categories: PVS1,PM2,PP3

NM_000138.5(FBN1):c.8599del (p.Gln2867fs)

Gene: FBN1 (fibrillin 1; minus strand). Cytogenetic location: 15q21.1.
Variant type: Deletion.
Coding change: c.8599del on transcript NM_000138.5 (MANE Select); coding-DNA position 8599, one base deleted (C; older notation c.8599delC).
Protein change: p.Gln2867fs; shifts the reading frame from glutamine 2867.
Molecular consequence: frameshift variant.
Genome position (GRCh38, 1-based): chr15:48,411,007, G deleted on the plus strand (C on the coding strand, the reverse complement: FBN1 is on the minus strand); the first of 2 consecutive G bases (chr15:48,411,007-48,411,008); deleting either gives the same sequence. VCF-style (leftmost placement, unchanged base first): chr15-48411006-TG-T. GRCh37 (hg19) VCF-style: chr15-48703203-TG-T.
Other names: c.8598delC, p.Gln2867Argfs (NM_001406716.1); short protein forms Q2867fs.
Identifiers: ClinVar variation 1708349 (VCV001708349.3), dbSNP rs2505370232, ClinGen allele CA2580089538.